The following is an entry in ClinVar:

ClinVar aggregate classification (germline): Uncertain significance. Review status: criteria provided, multiple submitters, no conflicts (2 of 4 stars). 2 submissions from 2 submitters: Uncertain significance (2). Last evaluated 2025-08-29.

Conditions:
Brachyolmia-amelogenesis imperfecta syndrome. Also called: PLATYSPONDYLY WITH AMELOGENESIS IMPERFECTA; Tooth agenesis, selective, 6; Dental anomalies and short stature. Identifiers: Orphanet 2899, MedGen C1832594, MONDO:0011018, OMIM 601216. Disease mechanism: loss of function.
Inborn genetic diseases. Identifiers: MedGen C0950123, MeSH D030342.

Allele frequency attached by ClinVar (database versions not stated): gnomAD exomes 0.00001.

Submissions (2):

Labcorp Genetics (formerly Invitae), Labcorp
Classification: Uncertain significance for Brachyolmia-amelogenesis imperfecta syndrome. Last evaluated: 2025-08-29. Review status: criteria provided, single submitter. Criteria: Invitae Variant Classification Sherloc (09022015). Collection method: clinical testing. Allele origin: germline.
Comment: This sequence change replaces aspartic acid, which is acidic and polar, with glycine, which is neutral and non-polar, at codon 993 of the LTBP3 protein (p.Asp993Gly). This variant is not present in population databases (gnomAD no frequency). This variant has not been reported in the literature in individuals affected with LTBP3-related conditions. ClinVar contains an entry for this variant (Variation ID: 1798344). An algorithm developed to predict the effect of missense changes on protein structure and function (PolyPhen-2) suggests that this variant is likely to be disruptive. In summary, the available evidence is currently insufficient to determine the role of this variant in disease. Therefore, it has been classified as a Variant of Uncertain Significance.

Ambry Genetics
Classification: Uncertain significance for Inborn genetic diseases. Last evaluated: 2022-02-16. Review status: criteria provided, single submitter. Criteria: Ambry Variant Classification Scheme 2023. Collection method: clinical testing. Allele origin: germline.
Comment: The p.D993G variant (also known as c.2978A>G) is located in coding exon 22 of the LTBP3 gene. The aspartic acid at codon 993 is replaced by glycine, an amino acid with similar properties. This change occurs in the first base pair of coding exon 22. This amino acid position is conserved. In addition, this alteration is predicted to be deleterious by in silico analysis. Since supporting evidence is limited at this time, the clinical significance of this alteration remains unclear.

NM_001130144.3(LTBP3):c.2978A>G (p.Asp993Gly)

Genes: LTBP3 (latent transforming growth factor beta binding protein 3; minus strand), LOC121832793 (Sharpr-MPRA regulatory region 4001; plus strand). Cytogenetic location: 11q13.1.
Variant type: single nucleotide variant.
Coding change: c.2978A>G on transcript NM_001130144.3 (MANE Select); coding-DNA position 2978, A replaced by G.
Protein change: p.Asp993Gly; replaces aspartic acid 993 with glycine.
Molecular consequence: missense variant.
Genome position (GRCh38, 1-based): chr11:65,540,614, T>C on the plus strand (A>G on the coding strand, the complement: LTBP3 is on the minus strand). VCF-style: chr11-65540614-T-C. GRCh37 (hg19) VCF-style: chr11-65308085-T-C.
Other names: c.2627A>G, p.Asp876Gly (NM_001164266.1); c.2978A>G, p.Asp993Gly (NM_021070.4); short protein forms D993G, D876G.
Identifiers: ClinVar variation 1798344 (VCV001798344.3), dbSNP rs2496124579, ClinGen allele CA381267943.